The following is an entry in ClinVar:

NM_000059.4(BRCA2):c.9256+1862G>C

Gene: BRCA2 (BRCA2 DNA repair associated; plus strand). Cytogenetic location: 13q13.1.
Variant type: single nucleotide variant.
Coding change: c.9256+1862G>C on transcript NM_000059.4 (MANE Select); 1862 bases into the intron after coding-DNA position 9256, G replaced by C.
Molecular consequence: intron variant.
Genome position (GRCh38, 1-based): chr13:32,382,007, G>C. VCF-style: chr13-32382007-G-C. GRCh37 (hg19) VCF-style: chr13-32956144-G-C.
Other names: IVS 24+1862G>C.
Identifiers: ClinVar variation 209854 (VCV000209854.1), dbSNP rs11571775, ClinGen allele CA276822.
Genomic context (GRCh38, chr13:32,382,007, plus strand): 5'-GAAGGAAAGACTGCAAGAAAAGCAAGTATGTGGGGAAGTTCAGGAGCTCAGTTTTAGACA[G>C]TTAAGTTTTAGATGCTTATTAGGCATCTAAGTAGAAATGTCTACTTGATGGTTACATAGG-3'

ClinVar aggregate classification (germline): Benign (3 of 4 stars; one submission).

Conditions:
Breast-ovarian cancer, familial, susceptibility to, 2 (BROVCA2). Also called: BRCA2 Hereditary Breast and Ovarian Cancer. Identifiers: Orphanet 145, MedGen C2675520, MONDO:0012933, OMIM 612555. Disease mechanism: loss of function.

Allele frequency attached by ClinVar (database versions not stated): gnomAD 0.00650; TOPMed 0.00808; 1000 Genomes Project 0.00899; 1000 Genomes Project 30x 0.00984.
gnomAD v4.1: 1,104 of 152,318 alleles (0.72%); highest among the groups gnomAD compares: African/African-American, 2.5%; 14 homozygotes.

Submission:

Evidence-based Network for the Interpretation of Germline Mutant Alleles (ENIGMA)
Classification: Benign for Breast-ovarian cancer, familial 2. Last evaluated: 2015-01-12. Review status: reviewed by expert panel. Criteria: ENIGMA BRCA1/2 Classification Criteria (2015). Collection method: curation. Allele origin: germline.
Comment: Class 1 not pathogenic based on frequency >1% in an outbred sampleset. Frequency 0.03252 (African), derived from 1000 genomes (2012-04-30).